The following is an entry in ClinVar:

ClinVar aggregate classification (germline): Uncertain significance. Review status: criteria provided, multiple submitters, no conflicts (2 of 4 stars). 5 submissions from 5 submitters: Uncertain significance (5). Last evaluated 2026-04-27.

Conditions:
PEX12-related disorder. Also called: PEX12-related condition; PEX12-related disorders.
Inborn genetic diseases. Identifiers: MedGen C0950123, MeSH D030342.
Peroxisome biogenesis disorder type 3B. Identifiers: Orphanet 44, Orphanet 772, MedGen C3550693, MONDO:0009959, OMIM 266510.
Peroxisome biogenesis disorder 3A (Zellweger). Also called: PEROXISOMAL BIOGENESIS DISORDER 3A (ZELLWEGER); Peroxisome biogenesis disorder 3A. Identifiers: Orphanet 912, MedGen C3553929, MONDO:0013927, OMIM 614859.

Allele frequency attached by ClinVar (database versions not stated): gnomAD exomes 0.00001 and 0.00002; ExAC 0.00002; TOPMed 0.00002.

Submissions (5):

PreventionGenetics, part of Exact Sciences
Classification: Uncertain significance for PEX12-related condition. Last evaluated: 2026-04-27. Review status: criteria provided, single submitter. Criteria: ACMG Guidelines, 2015. Collection method: clinical testing. Allele origin: germline.
Comment: The PEX12 c.352A>G variant is predicted to result in the amino acid substitution p.Met118Val. To our knowledge, this variant has not been reported in the literature. This variant is reported in 0.016% of alleles in individuals of African descent in gnomAD. At this time, the clinical significance of this variant is uncertain due to the absence of conclusive functional and genetic evidence.

Ambry Genetics
Classification: Uncertain significance for Inborn genetic diseases. Last evaluated: 2023-09-14. Review status: criteria provided, single submitter. Criteria: Ambry Variant Classification Scheme 2023. Collection method: clinical testing. Allele origin: germline.

Labcorp Genetics (formerly Invitae), Labcorp
Classification: Uncertain significance for Peroxisome biogenesis disorder 3A (Zellweger). Last evaluated: 2022-08-05. Review status: criteria provided, single submitter. Criteria: Invitae Variant Classification Sherloc (09022015). Collection method: clinical testing. Allele origin: germline.
Comment: This sequence change replaces methionine, which is neutral and non-polar, with valine, which is neutral and non-polar, at codon 118 of the PEX12 protein (p.Met118Val). This variant is present in population databases (rs773708442, gnomAD 0.02%). This variant has not been reported in the literature in individuals affected with PEX12-related conditions. ClinVar contains an entry for this variant (Variation ID: 500516). Algorithms developed to predict the effect of missense changes on protein structure and function (SIFT, PolyPhen-2, Align-GVGD) all suggest that this variant is likely to be tolerated. In summary, the available evidence is currently insufficient to determine the role of this variant in disease. Therefore, it has been classified as a Variant of Uncertain Significance.

Fulgent Genetics
Classification: Uncertain significance for Peroxisome biogenesis disorder type 3B; Peroxisome biogenesis disorder 3A (Zellweger). Last evaluated: 2022-01-17. Review status: criteria provided, single submitter. Criteria: ACMG Guidelines, 2015. Collection method: clinical testing. Allele origin: unknown.

Eurofins Ntd Llc (ga)
Classification: Uncertain significance. Last evaluated: 2017-02-22. Review status: criteria provided, single submitter. Criteria: EGL Classification Definitions 2015. Collection method: clinical testing. Allele origin: germline. Observed: 2 variant alleles, 2 heterozygotes.

NM_000286.3(PEX12):c.352A>G (p.Met118Val)

Gene: PEX12 (peroxisomal biogenesis factor 12; minus strand). Cytogenetic location: 17q12.
Variant type: single nucleotide variant.
Coding change: c.352A>G on transcript NM_000286.3 (MANE Select); coding-DNA position 352, A replaced by G.
Protein change: p.Met118Val; replaces methionine 118 with valine.
Molecular consequence: missense variant.
Genome position (GRCh38, 1-based): chr17:35,577,366, T>C on the plus strand (A>G on the coding strand, the complement: PEX12 is on the minus strand). VCF-style: chr17-35577366-T-C. GRCh37 (hg19) VCF-style: chr17-33904385-T-C.
Other names: c.352A>G (NM_000286.2); short protein forms M118V.
Identifiers: ClinVar variation 500516 (VCV000500516.11), dbSNP rs773708442, ClinGen allele CA8504920.